The following is an entry in ClinVar:

NM_000038.6(APC):c.1564A>G (p.Met522Val)

Gene: APC (APC regulator of Wnt signaling pathway; plus strand). Cytogenetic location: 5q22.2.
Variant type: single nucleotide variant.
Coding change: c.1564A>G on transcript NM_000038.6 (MANE Select); coding-DNA position 1564, A replaced by G.
Protein change: p.Met522Val; replaces methionine 522 with valine.
Molecular consequence: missense variant.
Genome position (GRCh38, 1-based): chr5:112,827,944, A>G. VCF-style: chr5-112827944-A-G. GRCh37 (hg19) VCF-style: chr5-112163641-A-G.
Other names: c.1564A>G, p.Met522Val (NM_001127510.3, NM_001354895.2); c.1510A>G, p.Met504Val (NM_001127511.3); c.1618A>G, p.Met540Val (NM_001354896.2); c.1594A>G, p.Met532Val (NM_001354897.2); c.1489A>G, p.Met497Val (NM_001354898.2); c.1480A>G, p.Met494Val (NM_001354899.2); c.1441A>G, p.Met481Val (NM_001354900.2); c.1387A>G, p.Met463Val (NM_001354901.2); and 5 more; short protein forms M504V, M522V, M362V, M396V, M431V, M239V, M540V, M421V.
Identifiers: ClinVar variation 141366 (VCV000141366.28), dbSNP rs587781692, ClinGen allele CA005335.
Genomic context (GRCh38, chr5:112,827,944, plus strand): 5'-CAAGTTGTCTTTTTAATGATCCTCTATTCTGTATTTAATTTACAGGCTACGCTATGCTCT[A>G]TGAAAGGCTGCATGAGAGCACTTGTGGCCCAACTAAAATCTGAAAGTGAAGACTTACAGC-3'
Protein context (NP_000029.2, residues 512-532): DVANKATLCS[Met522Val]KGCMRALVAQ

ClinVar aggregate classification (germline): Uncertain significance. Review status: criteria provided, multiple submitters, no conflicts (2 of 4 stars). 7 submissions from 7 submitters: Uncertain significance (7). Last evaluated 2025-12-08.

Conditions:
Classic or attenuated familial adenomatous polyposis. Identifiers: MedGen CN372698, MONDO:0021057.
Hereditary cancer-predisposing syndrome. Also called: Neoplastic Syndromes, Hereditary; Hereditary Cancer Syndrome; Tumor predisposition; Hereditary neoplastic syndrome. Identifiers: Orphanet 140162, MedGen C0027672, MeSH D009386, MONDO:0015356.
Familial adenomatous polyposis 1 (FAP1). Also called: POLYPOSIS, ADENOMATOUS INTESTINAL; FAMILIAL ADENOMATOUS POLYPOSIS 1, ATTENUATED. Identifiers: MedGen C2713442, MONDO:0021056, OMIM 175100. Disease mechanism: loss of function.

Allele frequency attached by ClinVar (database versions not stated): gnomAD exomes below 0.00001 and 0.00001; gnomAD 0.00001; TOPMed 0.00001; ExAC 0.00002.
gnomAD v4.1: 4 of 1,613,038 alleles (0.00025%); highest among the groups gnomAD compares: Admixed American, 0.0033%; no homozygotes.

Submissions (7):

Labcorp Genetics (formerly Invitae), Labcorp
Classification: Uncertain significance for Familial adenomatous polyposis 1. Last evaluated: 2025-12-08. Review status: criteria provided, single submitter. Criteria: Invitae Variant Classification Sherloc (09022015). Collection method: clinical testing. Allele origin: germline.
Comment: This sequence change replaces methionine, which is neutral and non-polar, with valine, which is neutral and non-polar, at codon 522 of the APC protein (p.Met522Val). This variant is present in population databases (rs587781692, gnomAD 0.006%). This missense change has been observed in individual(s) with breast cancer (PMID: 35264596, 37277882). ClinVar contains an entry for this variant (Variation ID: 141366). Invitae Evidence Modeling of protein sequence and biophysical properties (such as structural, functional, and spatial information, amino acid conservation, physicochemical variation, residue mobility, and thermodynamic stability) indicates that this missense variant is not expected to disrupt APC protein function with a negative predictive value of 95%. In summary, the available evidence is currently insufficient to determine the role of this variant in disease. Therefore, it has been classified as a Variant of Uncertain Significance.

Ambry Genetics
Classification: Uncertain significance for Hereditary cancer-predisposing syndrome. Last evaluated: 2025-10-27. Review status: criteria provided, single submitter. Criteria: Ambry Variant Classification Scheme 2023. Collection method: clinical testing. Allele origin: germline.
Comment: The p.M522V variant (also known as c.1564A>G), located in coding exon 12 of the APC gene, results from an A to G substitution at nucleotide position 1564. The methionine at codon 522 is replaced by valine, an amino acid with highly similar properties. This amino acid position is highly conserved in available vertebrate species. In addition, in silico predictors for this gene do not accurately predict pathogenicity. Missense alterations in APC are not a common cause of disease (Spier I et al. Genet Med. 2024 Feb;26(2):100992). Based on the available evidence, the clinical significance of this variant remains unclear.

All of Us Research Program, National Institutes of Health
Classification: Uncertain significance for Classic or attenuated familial adenomatous polyposis. Last evaluated: 2024-05-30. Review status: criteria provided, single submitter. Criteria: ACMG Guidelines, 2015. Collection method: clinical testing. Allele origin: germline. Inheritance: Autosomal dominant inheritance. Observed: 3 variant alleles, 3 heterozygotes.
Comment: This missense variant replaces methionine with valine at codon 522 of the APC protein. Computational prediction suggests that this variant may not impact protein structure and function (internally defined REVEL score threshold <= 0.5, PMID: 27666373). To our knowledge, functional studies have not been reported for this variant. This variant has not been reported in individuals affected with APC-related disorders in the literature. This variant has been identified in 2/250890 chromosomes in the general population by the Genome Aggregation Database (gnomAD). The available evidence is insufficient to determine the role of this variant in disease conclusively. Therefore, this variant is classified as a Variant of Uncertain Significance.

This study involves interpretation of variants in research participants for the purpose of population health screening. Participant phenotype was not available at the time of variant classification. Additional details can be found in publication PMID: 35346344, PMCID: PMC8962531

Color Diagnostics, LLC DBA Color Health
Classification: Uncertain significance for Hereditary cancer-predisposing syndrome. Last evaluated: 2024-05-09. Review status: criteria provided, single submitter. Criteria: ACMG Guidelines, 2015. Collection method: clinical testing. Allele origin: germline.
Comment: This missense variant replaces methionine with valine at codon 522 of the APC protein. Computational prediction suggests that this variant may not impact protein structure and function (internally defined REVEL score threshold <= 0.5, PMID: 27666373). To our knowledge, functional studies have not been reported for this variant. This variant has not been reported in individuals affected with APC-related disorders in the literature. This variant has been identified in 2/250890 chromosomes in the general population by the Genome Aggregation Database (gnomAD). The available evidence is insufficient to determine the role of this variant in disease conclusively. Therefore, this variant is classified as a Variant of Uncertain Significance.

Blueprint Genetics
Classification: Uncertain significance. Last evaluated: 2023-09-05. Review status: criteria provided, single submitter. Criteria: ACMG Guidelines, 2015. Collection method: clinical testing. Allele origin: germline.

KCCC/NGS Laboratory, Kuwait Cancer Control Center
Classification: Uncertain significance for Familial adenomatous polyposis 1. Last evaluated: 2023-07-07. Review status: criteria provided, single submitter. Criteria: ACMG Guidelines, 2015. Collection method: clinical testing. Allele origin: unknown. Affected: yes.
Comment: This sequence change replaces methionine with valine at codon 522 of the APC protein (p.Met522Val). The methionine residue is highly conserved and there is a small physicochemical difference between methionine and valine. ClinVar contains 3 entries for this variant (Variation ID: 141366) all listed as variant of uncertain significance. Algorithms developed to predict the effect of missense changes on protein structure and function (SIFT, PolyPhen-2, Align-GVGD) all suggest that this variant is likely to be tolerated, but these predictions have not been confirmed by published functional studies. In summary, this variant is a rare missense change that is not predicted to affect protein function. There is no indication that it causes disease, but the available evidence is currently insufficient to prove that conclusively. Therefore, it has been classified as a Variant of Uncertain Significance.

Mendelics
Classification: Uncertain significance for Familial adenomatous polyposis 1. Last evaluated: 2018-07-02. Review status: criteria provided, single submitter. Criteria: Mendelics Assertion Criteria 2017. Collection method: clinical testing. Allele origin: unknown.

Literature cited by the submitters: PubMed 35264596 (cited by Labcorp Genetics (formerly Invitae), Labcorp); PubMed 37277882 (cited by Labcorp Genetics (formerly Invitae), Labcorp).